The following is an entry in ClinVar:

ClinVar aggregate classification (germline): Uncertain significance (1 of 4 stars; one submission).

Submission:

Labcorp Genetics (formerly Invitae), Labcorp
Classification: Uncertain significance. Last evaluated: 2022-08-02. Review status: criteria provided, single submitter. Criteria: Invitae Variant Classification Sherloc (09022015). Collection method: clinical testing. Allele origin: germline.
Comment: In summary, the available evidence is currently insufficient to determine the role of this variant in disease. Therefore, it has been classified as a Variant of Uncertain Significance. Algorithms developed to predict the effect of sequence changes on RNA splicing suggest that this variant may disrupt the consensus splice site. This variant has not been reported in the literature in individuals affected with PDE2A-related conditions. This variant is not present in population databases (gnomAD no frequency). This sequence change affects an acceptor splice site in intron 18 of the PDE2A gene. It is expected to disrupt RNA splicing. Variants that disrupt the donor or acceptor splice site typically lead to a loss of protein function (PMID: 16199547), however the current clinical and genetic evidence is not sufficient to establish whether loss-of-function variants in PDE2A cause disease.

Literature cited by the submitters: PubMed 16199547.

NM_002599.5(PDE2A):c.1538-1G>A

Gene: PDE2A (phosphodiesterase 2A; minus strand). Cytogenetic location: 11q13.4.
Variant type: single nucleotide variant.
Coding change: c.1538-1G>A on transcript NM_002599.5 (MANE Select); the canonical splice acceptor site of the intron before coding-DNA position 1538, G replaced by A.
Molecular consequence: splice acceptor variant.
Genome position (GRCh38, 1-based): chr11:72,584,314, C>T on the plus strand (G>A on the coding strand, the complement: PDE2A is on the minus strand). VCF-style: chr11-72584314-C-T. GRCh37 (hg19) VCF-style: chr11-72295358-C-T.
Other names: c.1511-1G>A (NM_001146209.3); c.1517-1G>A (NM_001143839.4); c.1475-1G>A (NM_001243784.2).
Identifiers: ClinVar variation 2021182 (VCV002021182.4), dbSNP rs2496283434, ClinGen allele CA381757792.